The following is an entry in ClinVar:

ClinVar aggregate classification (germline): Uncertain significance (1 of 4 stars; one submission).

Conditions:
Nephronophthisis. Also called: Juvenile Nephronophthisis. Identifiers: Orphanet 655, MedGen C0687120, MONDO:0019005, HP:0000090.

Allele frequency attached by ClinVar (database versions not stated): ExAC 0.00002.
gnomAD v4.1: 3 of 1,580,298 alleles (0.00019%); highest among the groups gnomAD compares: Admixed American, 0.0018%; no homozygotes.

Submission:

Labcorp Genetics (formerly Invitae), Labcorp
Classification: Uncertain significance for Nephronophthisis. Last evaluated: 2022-01-03. Review status: criteria provided, single submitter. Criteria: Invitae Variant Classification Sherloc (09022015). Collection method: clinical testing. Allele origin: germline.
Comment: This sequence change replaces glycine, which is neutral and non-polar, with serine, which is neutral and polar, at codon 277 of the NPHP4 protein (p.Gly277Ser). The frequency data for this variant in the population databases is considered unreliable, as metrics indicate poor data quality at this position in the gnomAD database. This variant has not been reported in the literature in individuals affected with NPHP4-related conditions. Algorithms developed to predict the effect of missense changes on protein structure and function output the following: SIFT: "Tolerated"; PolyPhen-2: "Benign"; Align-GVGD: "Class C0". The serine amino acid residue is found in multiple mammalian species, which suggests that this missense change does not adversely affect protein function. Algorithms developed to predict the effect of sequence changes on RNA splicing suggest that this variant may create or strengthen a splice site. In summary, the available evidence is currently insufficient to determine the role of this variant in disease. Therefore, it has been classified as a Variant of Uncertain Significance.

NM_015102.5(NPHP4):c.829G>A (p.Gly277Ser)

Gene: NPHP4 (nephrocystin 4; minus strand). Cytogenetic location: 1p36.31.
Variant type: single nucleotide variant.
Coding change: c.829G>A on transcript NM_015102.5 (MANE Select); coding-DNA position 829, G replaced by A.
Protein change: p.Gly277Ser; replaces glycine 277 with serine.
Molecular consequence: missense variant. On other transcripts: 5 prime UTR variant (2), non-coding transcript variant (1).
Genome position (GRCh38, 1-based): chr1:5,948,233, C>T on the plus strand (G>A on the coding strand, the complement: NPHP4 is on the minus strand). VCF-style: chr1-5948233-C-T. GRCh37 (hg19) VCF-style: chr1-6008293-C-T.
Other names: c.-538G>A (NM_001291593.2, NM_001291594.2); short protein forms G277S.
Identifiers: ClinVar variation 2070714 (VCV002070714.4), dbSNP rs754784261, ClinGen allele CA554724.